The following is an entry in ClinVar:

NM_173477.5(USH1G):c.500G>A (p.Arg167His)

Gene: USH1G (USH1 protein network component sans; minus strand). Cytogenetic location: 17q25.1.
Variant type: single nucleotide variant.
Coding change: c.500G>A on transcript NM_173477.5 (MANE Select); coding-DNA position 500, G replaced by A.
Protein change: p.Arg167His; replaces arginine 167 with histidine.
Molecular consequence: missense variant.
Genome position (GRCh38, 1-based): chr17:74,920,336, C>T on the plus strand (G>A on the coding strand, the complement: USH1G is on the minus strand). VCF-style: chr17-74920336-C-T. GRCh37 (hg19) VCF-style: chr17-72916431-C-T.
Other names: c.191G>A, p.Arg64His (NM_001282489.3); short protein forms R167H, R64H.
Identifiers: ClinVar variation 961010 (VCV000961010.10), dbSNP rs745992000, ClinGen allele CA8754060.
Genomic context (GRCh38, chr17:74,920,336, plus strand): 5'-CTCAGGGTGCTGGACGTGAGGCTGGAGAAGCTGAGGGTGTCGGAACGCTCGGCCAGCTCG[C>T]GCCGGTATCGCCGCTCCATGCGTTCGTGGTGCCTCCGCTGCAGCTTGGCGCACTCGCGGA-3'
Protein context (NP_775748.2, residues 157-177): HHERMERRYR[Arg167His]ELAERSDTLS

ClinVar aggregate classification (germline): Uncertain significance. Review status: criteria provided, multiple submitters, no conflicts (2 of 4 stars). 3 submissions from 3 submitters: Uncertain significance (3). Last evaluated 2025-02-12.

Conditions:
USH1G-related disorder. Also called: USH1G-related disorders; USH1G-related condition.

Allele frequency attached by ClinVar (database versions not stated): TOPMed below 0.00001; ExAC 0.00001; gnomAD 0.00001; gnomAD exomes 0.00001 and 0.00002.
gnomAD v4.1: 11 of 1,610,106 alleles (0.00068%); highest among the groups gnomAD compares: East Asian, 0.0045%; no homozygotes.

Submissions (3):

PreventionGenetics, part of Exact Sciences
Classification: Uncertain significance for USH1G-related condition. Last evaluated: 2025-02-12. Review status: criteria provided, single submitter. Criteria: ACMG Guidelines, 2015. Collection method: clinical testing. Allele origin: germline.
Comment: The USH1G c.500G>A variant is predicted to result in the amino acid substitution p.Arg167His. To our knowledge, this variant has not been reported in the literature. This variant is reported in 0.010% of alleles in individuals of East Asian descent in gnomAD. At this time, the clinical significance of this variant is uncertain due to the absence of conclusive functional and genetic evidence.

Labcorp Genetics (formerly Invitae), Labcorp
Classification: Uncertain significance. Last evaluated: 2019-09-09. Review status: criteria provided, single submitter. Criteria: Invitae Variant Classification Sherloc (09022015). Collection method: clinical testing. Allele origin: germline.
Comment: In summary, the available evidence is currently insufficient to determine the role of this variant in disease. Therefore, it has been classified as a Variant of Uncertain Significance. Algorithms developed to predict the effect of missense changes on protein structure and function are either unavailable or do not agree on the potential impact of this missense change (SIFT: "Tolerated"; PolyPhen-2: "Possibly Damaging"; Align-GVGD: "Class C0"). This variant has not been reported in the literature in individuals with USH1G-related conditions. This variant is present in population databases (rs745992000, ExAC 0.01%). This sequence change replaces arginine with histidine at codon 167 of the USH1G protein (p.Arg167His). The arginine residue is highly conserved and there is a small physicochemical difference between arginine and histidine.

Blueprint Genetics
Classification: Uncertain significance. Last evaluated: 2019-04-29. Review status: criteria provided, single submitter. Criteria: ACMG Guidelines, 2015. Collection method: clinical testing. Allele origin: germline.